The following is an entry in ClinVar:

ClinVar aggregate classification (germline): Uncertain significance (1 of 4 stars; one submission).

Submission:

Labcorp Genetics (formerly Invitae), Labcorp
Classification: Uncertain significance. Last evaluated: 2024-04-26. Review status: criteria provided, single submitter. Criteria: Invitae Variant Classification Sherloc (09022015). Collection method: clinical testing. Allele origin: germline.
Comment: This sequence change replaces cysteine, which is neutral and slightly polar, with serine, which is neutral and polar, at codon 657 of the FOCAD protein (p.Cys657Ser). This variant is not present in population databases (gnomAD no frequency). This variant has not been reported in the literature in individuals affected with FOCAD-related conditions. Experimental studies and prediction algorithms are not available or were not evaluated, and the functional significance of this variant is currently unknown. In summary, the available evidence is currently insufficient to determine the role of this variant in disease. Therefore, it has been classified as a Variant of Uncertain Significance.

NM_001375567.1(FOCAD):c.1969T>A (p.Cys657Ser)

Gene: FOCAD (focadhesin; plus strand). Cytogenetic location: 9p21.3.
Variant type: single nucleotide variant.
Coding change: c.1969T>A on transcript NM_001375567.1 (MANE Select); coding-DNA position 1969, T replaced by A.
Protein change: p.Cys657Ser; replaces cysteine 657 with serine.
Molecular consequence: missense variant.
Genome position (GRCh38, 1-based): chr9:20,862,626, T>A. VCF-style: chr9-20862626-T-A. GRCh37 (hg19) VCF-style: chr9-20862625-T-A.
Other names: c.1864T>A, p.Cys622Ser (NM_001375568.1, NM_001375570.1); c.1969T>A, p.Cys657Ser (NM_017794.5); short protein forms C622S, C657S.
Identifiers: ClinVar variation 3650724 (VCV003650724.2).